The following is an entry in ClinVar:

ClinVar aggregate classification (germline): Benign/Likely benign. Review status: criteria provided, multiple submitters, no conflicts (2 of 4 stars). 5 submissions from 5 submitters: Benign (1); Likely benign (4). Last evaluated 2025-10-27.

Conditions:
Hereditary cancer-predisposing syndrome. Also called: Neoplastic Syndromes, Hereditary; Hereditary Cancer Syndrome; Hereditary neoplastic syndrome; Tumor predisposition. Identifiers: Orphanet 140162, MedGen C0027672, MeSH D009386, MONDO:0015356.
Juvenile polyposis syndrome (JPS). Identifiers: Orphanet 2929, MedGen C0345893, MONDO:0017380, OMIM 174900.
Familial thoracic aortic aneurysm and aortic dissection (TAAD). Also called: Thoracic aortic aneurysms and dissections. Identifiers: Orphanet 91387, MedGen C4707243, MONDO:0019625.
Juvenile polyposis/hereditary hemorrhagic telangiectasia syndrome (JPHT). Also called: POLYPOSIS, GENERALIZED JUVENILE, WITH PULMONARY ARTERIOVENOUS MALFORMATION; TELANGIECTASIA, HEREDITARY HEMORRHAGIC, WITH JUVENILE POLYPOSIS COLI; Juvenile Polyposis Syndrome / Hereditary Hemorrhagic Telangiectasia (JPS/HHT); JP/HHT SYNDROME; JUVENILE POLYPOSIS WITH HEREDITARY HEMORRHAGIC TELANGIECTASIA. Identifiers: Orphanet 2929, MedGen C1832942, MONDO:0008278, OMIM 175050.

Allele frequency attached by ClinVar (database versions not stated): gnomAD exomes below 0.00001; TOPMed below 0.00001; gnomAD 0.00001.
gnomAD v4.1: 4 of 1,614,008 alleles (0.00025%); highest among the groups gnomAD compares: African/African-American, 0.0013%; no homozygotes.

Submissions (5):

Labcorp Genetics (formerly Invitae), Labcorp
Classification: Likely benign for Juvenile polyposis syndrome. Last evaluated: 2025-10-27. Review status: criteria provided, single submitter. Criteria: Invitae Variant Classification Sherloc (09022015). Collection method: clinical testing. Allele origin: germline.

Myriad Genetics, Inc.
Classification: Benign for Juvenile polyposis/hereditary hemorrhagic telangiectasia syndrome. Last evaluated: 2025-03-18. Review status: criteria provided, single submitter. Criteria: Myriad Autosomal Dominant, Autosomal Recessive and X-Linked Classification Criteria (2023). Collection method: clinical testing. Allele origin: unknown.
Comment: This variant is considered benign. This variant is a silent/synonymous amino acid change and it is not expected to impact splicing.

Ambry Genetics
Classification: Likely benign for Hereditary cancer-predisposing syndrome; Familial thoracic aortic aneurysm and aortic dissection. Last evaluated: 2020-05-13. Review status: criteria provided, single submitter. Criteria: Ambry Variant Classification Scheme 2023. Collection method: clinical testing. Allele origin: germline.

GeneDx
Classification: Likely benign. Last evaluated: 2018-06-15. Review status: criteria provided, single submitter. Criteria: GeneDx Variant Classification Process June 2021. Collection method: clinical testing. Allele origin: germline. Affected: yes.

Color Diagnostics, LLC DBA Color Health
Classification: Likely benign for Hereditary cancer-predisposing syndrome. Last evaluated: 2016-09-15. Review status: criteria provided, single submitter. Criteria: ACMG Guidelines, 2015. Collection method: clinical testing. Allele origin: germline.

NM_005359.6(SMAD4):c.366A>G (p.Lys122=)

Gene: SMAD4 (SMAD family member 4; plus strand). Cytogenetic location: 18q21.2.
Variant type: single nucleotide variant.
Coding change: c.366A>G on transcript NM_005359.6 (MANE Select); coding-DNA position 366, A replaced by G.
Protein change: p.Lys122=; no amino-acid change (lysine 122 retained).
Molecular consequence: synonymous variant.
Genome position (GRCh38, 1-based): chr18:51,048,802, A>G. VCF-style: chr18-51048802-A-G. GRCh37 (hg19) VCF-style: chr18-48575172-A-G.
Identifiers: ClinVar variation 392789 (VCV000392789.20), dbSNP rs1057524633, ClinGen allele CA16607986.